The following is an entry in ClinVar:

ClinVar aggregate classification (germline): Uncertain significance (1 of 4 stars; one submission).

Conditions:
Hereditary breast ovarian cancer syndrome. Also called: BRCA1- and BRCA2-Associated Hereditary Breast and Ovarian Cancer; Breast and ovarian cancer; Hereditary breast and ovarian cancer; Hereditary breast and ovarian cancer syndrome (HBOC); Hereditary breast and ovarian cancer syndrome; Hereditary breast and/or ovarian cancer syndrome. Identifiers: Orphanet 145, MedGen C0677776, MeSH D061325, MONDO:0003582. Disease mechanism: loss of function.

Submission:

Labcorp Genetics (formerly Invitae), Labcorp
Classification: Uncertain significance for Hereditary breast ovarian cancer syndrome. Last evaluated: 2024-04-02. Review status: criteria provided, single submitter. Criteria: Invitae Variant Classification Sherloc (09022015). Collection method: clinical testing. Allele origin: germline.
Comment: This sequence change replaces proline, which is neutral and non-polar, with alanine, which is neutral and non-polar, at codon 1660 of the BRCA2 protein (p.Pro1660Ala). This variant is not present in population databases (gnomAD no frequency). This variant has not been reported in the literature in individuals affected with BRCA2-related conditions. Advanced modeling of protein sequence and biophysical properties (such as structural, functional, and spatial information, amino acid conservation, physicochemical variation, residue mobility, and thermodynamic stability) performed at Invitae indicates that this missense variant is not expected to disrupt BRCA2 protein function with a negative predictive value of 95%. In summary, the available evidence is currently insufficient to determine the role of this variant in disease. Therefore, it has been classified as a Variant of Uncertain Significance.

NM_000059.4(BRCA2):c.4978C>G (p.Pro1660Ala)

Gene: BRCA2 (BRCA2 DNA repair associated; plus strand). Cytogenetic location: 13q13.1.
Variant type: single nucleotide variant.
Coding change: c.4978C>G on transcript NM_000059.4 (MANE Select); coding-DNA position 4978, C replaced by G.
Protein change: p.Pro1660Ala; replaces proline 1660 with alanine.
Molecular consequence: missense variant. On other transcripts: non-coding transcript variant (1), intron variant (2).
Genome position (GRCh38, 1-based): chr13:32,339,333, C>G. VCF-style: chr13-32339333-C-G. GRCh37 (hg19) VCF-style: chr13-32913470-C-G.
Other names: c.4978C>G, p.Pro1660Ala (NM_001406719.1, NM_001406720.1, NM_001432077.1); c.1910-5225C>G (NM_001406721.1); c.425-5225C>G (NM_001406722.1); short protein forms P1660A.
Identifiers: ClinVar variation 3701078 (VCV003701078.2).